The following is an entry in ClinVar:

NM_153717.3(EVC):c.801+1G>T

Gene: EVC (EvC ciliary complex subunit 1; plus strand). Cytogenetic location: 4p16.2.
Variant type: single nucleotide variant.
Coding change: c.801+1G>T on transcript NM_153717.3 (MANE Select); the canonical splice donor site of the intron after coding-DNA position 801, G replaced by T.
Molecular consequence: splice donor variant.
Genome position (GRCh38, 1-based): chr4:5,741,815, G>T. VCF-style: chr4-5741815-G-T. GRCh37 (hg19) VCF-style: chr4-5743542-G-T.
Other names: c.801+1G>T (NM_001306090.2, NM_001306092.2).
Identifiers: ClinVar variation 2576547 (VCV002576547.12), dbSNP rs1447653524, ClinGen allele CA356147859.

ClinVar aggregate classification (germline): Pathogenic/Likely pathogenic. Review status: criteria provided, multiple submitters, no conflicts (2 of 4 stars). 6 submissions from 5 submitters: Pathogenic (1); Likely pathogenic (5). Last evaluated 2025-08-06.

Conditions:
Curry-Hall syndrome (WAD). Also called: WEYERS ACRODENTAL DYSOSTOSIS. Identifiers: Orphanet 952, MedGen C0457013, MONDO:0008673, OMIM 193530.
Ellis-van Creveld syndrome (EVC). Also called: MESOECTODERMAL DYSPLASIA; Chondroectodermal dysplasia. Identifiers: Orphanet 289, MedGen C0013903, MONDO:0009162, OMIM 225500.
EVC-related disorder. Also called: EVC-related condition; EVC-related disorders.

gnomAD v4.1: 1 of 1,422,962 alleles (0.00007%); highest among the groups gnomAD compares: Non-Finnish European, 0.000099%; no homozygotes.

Submissions (6):

Institute of Human Genetics, University of Leipzig Medical Center
Classification: Pathogenic for Ellis-van Creveld syndrome. Last evaluated: 2025-08-06. Review status: criteria provided, single submitter. Criteria: ACMG Guidelines, 2015. Collection method: clinical testing. Allele origin: paternal. Inheritance: Autosomal recessive inheritance. Affected: yes.
Comment: Criteria applied: PVS1,PM2,PP4

Blueprint Genetics
Classification: Likely pathogenic for EVC-related disorders. Last evaluated: 2024-06-12. Review status: criteria provided, single submitter. Criteria: ACMG Guidelines, 2015. Collection method: clinical testing. Allele origin: germline. Affected: yes. Observed: 3 variant alleles.

Laboratory of Medical Genetics, National & Kapodistrian University of Athens
Classification: Likely pathogenic for Ellis-van Creveld syndrome. Last evaluated: 2024-02-01. Review status: criteria provided, single submitter. Criteria: ACMG Guidelines, 2015. Collection method: curation. Allele origin: germline. Affected: no.

Institute of Human Genetics, University of Leipzig Medical Center
Classification: Likely pathogenic for Curry-Hall syndrome. Last evaluated: 2023-07-03. Review status: criteria provided, single submitter. Criteria: ACMG Guidelines, 2015. Collection method: clinical testing. Allele origin: unknown. Inheritance: Autosomal dominant inheritance. Affected: yes.
Comment: Criteria applied: PVS1,PM2_SUP

Labcorp Genetics (formerly Invitae), Labcorp
Classification: Likely pathogenic for Curry-Hall syndrome; Ellis-van Creveld syndrome. Last evaluated: 2022-11-30. Review status: criteria provided, single submitter. Criteria: Invitae Variant Classification Sherloc (09022015). Collection method: clinical testing. Allele origin: germline.
Comment: This variant is present in population databases (no rsID available, gnomAD 0.0009%). This sequence change affects a donor splice site in intron 6 of the EVC gene. It is expected to disrupt RNA splicing. Variants that disrupt the donor or acceptor splice site typically lead to a loss of protein function (PMID: 16199547), and loss-of-function variants in EVC are known to be pathogenic (PMID: 23220543). Disruption of this splice site has been observed in individual(s) with Ellis-van Creveld syndrome (PMID: 23220543). Algorithms developed to predict the effect of sequence changes on RNA splicing suggest that this variant may disrupt the consensus splice site. In summary, the currently available evidence indicates that the variant is pathogenic, but additional data are needed to prove that conclusively. Therefore, this variant has been classified as Likely Pathogenic.

Neuberg Centre For Genomic Medicine, NCGM
Classification: Likely pathogenic for Ellis-van Creveld syndrome. Review status: criteria provided, single submitter. Criteria: ACMG Guidelines, 2015. Collection method: clinical testing. Allele origin: germline. Inheritance: Autosomal recessive inheritance. Affected: yes.
Comment: The invariant splice donor c.801+1G>T in EVC gene has not been reported previously as a pathogenic variant nor as a benign variant, to our knowledge. The observed variant has allele frequency of 0.0004% in gnomAD exomes database. This variant has not been submitted to the ClinVar database. Loss of function variants have been previously reported to be disease causing. For these reasons, this variant has been classified as Likely Pathogenic.

Literature cited by the submitters: PubMed 16199547 (cited by Labcorp Genetics (formerly Invitae), Labcorp); PubMed 23220543 (cited by Labcorp Genetics (formerly Invitae), Labcorp).